The following is an entry in ClinVar:

ClinVar aggregate classification (germline): Uncertain significance (1 of 4 stars; one submission).

Conditions:
LRRC45-related disorder. Also called: LRRC45-related condition.

Submission:

PreventionGenetics, part of Exact Sciences
Classification: Uncertain significance for LRRC45-related condition. Last evaluated: 2024-10-13. Review status: criteria provided, single submitter. Criteria: ACMG Guidelines, 2015. Collection method: clinical testing. Allele origin: germline.
Comment: The LRRC45 c.1297C>T variant is predicted to result in the amino acid substitution p.Arg433Cys. To our knowledge, this variant has not been reported in the literature. This variant is reported in 0.00090% of alleles in individuals of European (Non-Finnish) descent in gnomAD. At this time, the clinical significance of this variant is uncertain due to the absence of conclusive functional and genetic evidence.

NM_144999.4(LRRC45):c.1297C>T (p.Arg433Cys)

Gene: LRRC45 (leucine rich repeat containing 45; plus strand). Cytogenetic location: 17q25.3.
Variant type: single nucleotide variant.
Coding change: c.1297C>T on transcript NM_144999.4 (MANE Select); coding-DNA position 1297, C replaced by T.
Protein change: p.Arg433Cys; replaces arginine 433 with cysteine.
Molecular consequence: missense variant.
Genome position (GRCh38, 1-based): chr17:82,028,672, C>T. VCF-style: chr17-82028672-C-T. GRCh37 (hg19) VCF-style: chr17-79986548-C-T.
Other names: short protein forms R433C.
Identifiers: ClinVar variation 4980799 (VCV004980799.1).